The following is an entry in ClinVar:

ClinVar aggregate classification (germline): Uncertain significance (1 of 4 stars; one submission).

Conditions:
Inborn genetic diseases. Identifiers: MedGen C0950123, MeSH D030342.

Submission:

Ambry Genetics
Classification: Uncertain significance for Inborn genetic diseases. Last evaluated: 2025-02-09. Review status: criteria provided, single submitter. Criteria: Ambry Variant Classification Scheme 2023. Collection method: clinical testing. Allele origin: germline.
Comment: The p.Q1108R variant (also known as c.3323A>G), located in coding exon 1 of the SAMD9 gene, results from an A to G substitution at nucleotide position 3323. The glutamine at codon 1108 is replaced by arginine, an amino acid with highly similar properties. This amino acid position is conserved. In addition, this alteration is predicted to be tolerated by in silico analysis. Based on the available evidence, the clinical significance of this variant remains unclear.

NM_017654.4(SAMD9):c.3323A>G (p.Gln1108Arg)

Gene: SAMD9 (sterile alpha motif domain containing 9; minus strand). Cytogenetic location: 7q21.2.
Variant type: single nucleotide variant.
Coding change: c.3323A>G on transcript NM_017654.4 (MANE Select); coding-DNA position 3323, A replaced by G.
Protein change: p.Gln1108Arg; replaces glutamine 1108 with arginine.
Molecular consequence: missense variant.
Genome position (GRCh38, 1-based): chr7:93,102,775, T>C on the plus strand (A>G on the coding strand, the complement: SAMD9 is on the minus strand). VCF-style: chr7-93102775-T-C. GRCh37 (hg19) VCF-style: chr7-92732088-T-C.
Other names: c.3323A>G, p.Gln1108Arg (NM_001193307.2); short protein forms Q1108R.
Identifiers: ClinVar variation 3792073 (VCV003792073.1).
Genomic context (GRCh38, chr7:93,102,775, plus strand): 5'-TTGTAGACTTGACCCAGTGTATCTGAGATATAAGAATTGTCAGGTTCTATGATTTTTGCT[T>C]GTTTTGCCCAGTTTAGAGCATTGCCAAAGTCCTTCTTTTTAATGTAGAAATGTCTTGCCA-3'
Protein context (NP_060124.2, residues 1098-1118): DFGNALNWAK[Gln1108Arg]AKIIEPDNSY